The following is an entry in ClinVar:

ClinVar aggregate classification (germline): Conflicting classifications of pathogenicity. Review status: criteria provided, conflicting classifications (1 of 4 stars). 3 submissions from 3 submitters: Likely pathogenic (1); Uncertain significance (1). 1 of the submissions does not count toward it. Last evaluated 2026-07-31.

Conditions:
Pontoneocerebellar hypoplasia. Also called: Pontocerebellar hypoplasia; Non-syndromic pontocerebellar hypoplasia. Identifiers: Orphanet 98523, MedGen C1261175, MONDO:0020135.
Pontocerebellar hypoplasia type 2B (PCH2B). Identifiers: Orphanet 2524, MedGen C2676466, MONDO:0012890, OMIM 612389.

Allele frequency attached by ClinVar (database versions not stated): gnomAD exomes 0.00002 and 0.00008; 1000 Genomes Project 0.00020; 1000 Genomes Project 30x 0.00031; TOPMed 0.00002; gnomAD 0.00001; ESP Exome Variant Server 0.00008; ExAC 0.00009.
gnomAD v4.1: 35 of 1,614,066 alleles (0.0022%); highest among the groups gnomAD compares: Admixed American, 0.023%; no homozygotes.

Submissions (3):

GeneDx
Classification: Uncertain significance. Last evaluated: 2026-07-31. Review status: criteria provided, single submitter. Criteria: GeneDx Variant Classification Process June 2021. Collection method: clinical testing. Allele origin: germline.
Comment: Nonsense variant predicted to result in protein truncation as the last 14 amino acid(s) are lost with an unclear effect on protein function; This variant is associated with the following publications: (PMID: Khoshnevisan2022[casereport], 35266334)

Women's Health and Genetics/Laboratory Corporation of America, LabCorp
Classification: Likely pathogenic for Pontoneocerebellar hypoplasia. Last evaluated: 2022-03-30. Review status: criteria provided, single submitter. Criteria: LabCorp Variant Classification Summary - May 2015. Collection method: clinical testing. Allele origin: germline.
Comment: Variant summary: TSEN2 c.1354C>T (p.Arg452X) results in a premature termination codon, predicted to cause a truncation of the encoded protein or absence of the protein due to nonsense mediated decay, which are commonly known mechanisms for disease. Truncations downstream of this position have been classified as pathogenic by our laboratory. The variant allele was found at a frequency of 7.6e-05 in 251354 control chromosomes. This frequency is not significantly higher than expected for a pathogenic variant in TSEN2 causing Pontocerebellar Hypoplasia, Type 2B (7.6e-05 vs 0.0011), allowing no conclusion about variant significance. To our knowledge, no occurrence of c.1354C>T in individuals affected with Pontocerebellar Hypoplasia, Type 2B and no experimental evidence demonstrating its impact on protein function have been reported. No clinical diagnostic laboratories have submitted clinical-significance assessments for this variant to ClinVar after 2014. Based on the evidence outlined above, the variant was classified as likely pathogenic.

Medical Genetic Institute of Henan Province, Henan Provincial People’s Hospital
Classification: Pathogenic for Pontocerebellar hypoplasia type 2B. Review status: no assertion criteria provided. Collection method: case-control. Allele origin: unknown. Not counted in ClinVar's aggregate classification.

NM_025265.4(TSEN2):c.1354C>T (p.Arg452Ter)

Gene: TSEN2 (tRNA splicing endonuclease subunit 2; plus strand). Cytogenetic location: 3p25.2.
Variant type: single nucleotide variant.
Coding change: c.1354C>T on transcript NM_025265.4 (MANE Select); coding-DNA position 1354, C replaced by T.
Protein change: p.Arg452Ter; replaces arginine 452 with a stop codon.
Molecular consequence: nonsense. On other transcripts: non-coding transcript variant (1), intron variant (1).
Genome position (GRCh38, 1-based): chr3:12,532,677, C>T. VCF-style: chr3-12532677-C-T. GRCh37 (hg19) VCF-style: chr3-12574176-C-T.
Other names: c.1354C>T (NM_025265.3); c.1354C>T, p.Arg452Ter (NM_001145392.2, NM_001321277.2); c.1276C>T, p.Arg426Ter (NM_001145393.3, NM_001321279.2); c.1177C>T, p.Arg393Ter (NM_001145394.2); c.1338+1018C>T (NM_001321278.2); short protein forms R393*, R426*, R452*.
Identifiers: ClinVar variation 1334773 (VCV001334773.5), dbSNP rs376815626, ClinGen allele CA2258844.